The following is an entry in ClinVar:

ClinVar aggregate classification (germline): Uncertain significance (1 of 4 stars; one submission).

Conditions:
Brugada syndrome. Also called: Sudden unexpected nocturnal death syndrome; Sudden unexplained nocturnal death syndrome; Sudden Unexplained Death Syndrome; Sudden Unexplained Nocturnal Death Syndrome (SUNDS). Identifiers: Orphanet 130, MedGen C1142166, MONDO:0015263.

Allele frequency attached by ClinVar (database versions not stated): gnomAD exomes below 0.00001.
gnomAD v4.1: 1 of 1,614,026 alleles (0.000062%); highest among the groups gnomAD compares: Non-Finnish European, 0.000085%; no homozygotes.

Submission:

Labcorp Genetics (formerly Invitae), Labcorp
Classification: Uncertain significance for Brugada syndrome. Last evaluated: 2017-08-08. Review status: criteria provided, single submitter. Criteria: Invitae Variant Classification Sherloc (09022015). Collection method: clinical testing. Allele origin: germline.
Comment: This sequence change replaces leucine with valine at codon 21 of the SCN10A protein (p.Leu21Val). The leucine residue is highly conserved and there is a small physicochemical difference between leucine and valine. This variant is not present in population databases (ExAC no frequency). This variant has not been reported in the literature in individuals with SCN10A-related disease. Algorithms developed to predict the effect of missense changes on protein structure and function (SIFT, PolyPhen-2, Align-GVGD) all suggest that this variant is likely to be disruptive, but these predictions have not been confirmed by published functional studies and their clinical significance is uncertain. In summary, the available evidence is currently insufficient to determine the role of this variant in disease. Therefore, it has been classified as a Variant of Uncertain Significance.

NM_006514.4(SCN10A):c.61C>G (p.Leu21Val)

Gene: SCN10A (sodium voltage-gated channel alpha subunit 10; minus strand). Cytogenetic location: 3p22.2.
Variant type: single nucleotide variant.
Coding change: c.61C>G on transcript NM_006514.4 (MANE Select); coding-DNA position 61, C replaced by G.
Protein change: p.Leu21Val; replaces leucine 21 with valine.
Molecular consequence: missense variant.
Genome position (GRCh38, 1-based): chr3:38,793,950, G>C on the plus strand (C>G on the coding strand, the complement: SCN10A is on the minus strand). VCF-style: chr3-38793950-G-C. GRCh37 (hg19) VCF-style: chr3-38835441-G-C.
Other names: c.61C>G, p.Leu21Val (NM_001293306.2, NM_001293307.2); short protein forms L21V.
Identifiers: ClinVar variation 532056 (VCV000532056.1), dbSNP rs1553626259, ClinGen allele CA352163345.
Genomic context (GRCh38, chr3:38,793,950, plus strand): 5'-GCTTCTCTCTGGCTTTCTTTGTTCCCTGCTTGGCAGCAATTTGCTTCTCTATCTCCACCA[G>C]TGACTCCGGAGTAAAGCGACGGAAGTTGTTAGTTTCGAGGGATCCAATGGGGAATTCCAT-3'
Protein context (NP_006505.4, residues 11-31): NNFRRFTPES[Leu21Val]VEIEKQIAAK